The following is an entry in ClinVar:

NM_002792.4(PSMA7):c.202_204del (p.Asn68del)

Gene: PSMA7 (proteasome 20S subunit alpha 7; minus strand). Cytogenetic location: 20q13.33.
Variant type: Deletion.
Coding change: c.202_204del on transcript NM_002792.4 (MANE Select); coding-DNA positions 202 to 204, 3 bases deleted (AAC; older notation c.202_204delAAC).
Protein change: p.Asn68del; deletes asparagine 68.
Molecular consequence: inframe deletion.
Genome position (GRCh38, 1-based): chr20:62,140,837-62,140,839, GTT deleted on the plus strand (AAC on the coding strand, the reverse complement: PSMA7 is on the minus strand); deleting any 3 consecutive bases within chr20:62,140,837-62,140,841 gives the same sequence; the c. name uses the placement nearest the transcript's 3' end. VCF-style (leftmost placement, unchanged base first): chr20-62140836-CGTT-C. GRCh37 (hg19) VCF-style: chr20-60715892-CGTT-C.
Other names: short protein forms N68del.
Identifiers: ClinVar variation 4856048 (VCV004856048.1).
Genomic context (GRCh38, chr20:62,140,836, plus strand): 5'-GAGACTCTAGAGAGTAAGACAGCGCTCCCCACCGACTCATACCTGCAAAGGCCATGCAGA[CGTT>C]GTCATCCAAAGCACAGATCTTCCGCACTGTTCTTTCATCCTGCAGTTTGGCCACTGACTT-3'

ClinVar aggregate classification (germline): Uncertain significance (1 of 4 stars; one submission).

Conditions:
PSMA7-related disorder.

Submission:

3billion
Classification: Uncertain significance for PSMA7-related disorder. Last evaluated: 2025-09-17. Review status: criteria provided, single submitter. Criteria: ACMG Guidelines, 2015. Collection method: clinical testing. Allele origin: germline. Affected: yes.
Comment: The variant is not observed in the gnomAD v4.1.0 dataset. Predicted Consequence/Location: Inframe deletion located in a nonrepeat region: predicted to change the length of the protein and disrupt normal protein function. Therefore, this variant is classified as VUS according to the recommendation of ACMG/AMP guideline.